The following is an entry in ClinVar:

ClinVar aggregate classification (germline): Uncertain significance. Review status: criteria provided, multiple submitters, no conflicts (2 of 4 stars). 2 submissions from 2 submitters: Uncertain significance (2). Last evaluated 2024-01-16.

Conditions:
Hypertrophic cardiomyopathy. Also called: HYPERTROPHIC MYOCARDIOPATHY. Identifiers: Orphanet 217569, MedGen C0007194, MeSH D002312, MONDO:0005045, HP:0001639.
Cardiovascular phenotype. Identifiers: MedGen CN230736.

Submissions (2):

Ambry Genetics
Classification: Uncertain significance for Cardiovascular phenotype. Last evaluated: 2024-01-16. Review status: criteria provided, single submitter. Criteria: Ambry Variant Classification Scheme 2023. Collection method: clinical testing. Allele origin: germline.
Comment: The c.563+3A>G intronic variant results from an A to G substitution 3 nucleotides after coding exon 5 in the TPM1 gene. This nucleotide position is well conserved in available vertebrate species. In silico splice site analysis predicts that this alteration will not have any significant effect on splicing. Since supporting evidence is limited at this time, the clinical significance of this alteration remains unclear.

Labcorp Genetics (formerly Invitae), Labcorp
Classification: Uncertain significance for Hypertrophic cardiomyopathy. Last evaluated: 2023-12-08. Review status: criteria provided, single submitter. Criteria: Invitae Variant Classification Sherloc (09022015). Collection method: clinical testing. Allele origin: germline.
Comment: This sequence change falls in intron 5 of the TPM1 gene. It does not directly change the encoded amino acid sequence of the TPM1 protein. It affects a nucleotide within the consensus splice site. This variant is not present in population databases (gnomAD no frequency). This variant has not been reported in the literature in individuals affected with TPM1-related conditions. Variants that disrupt the consensus splice site are a relatively common cause of aberrant splicing (PMID: 17576681, 9536098). Algorithms developed to predict the effect of sequence changes on RNA splicing suggest that this variant may disrupt the consensus splice site. In summary, the available evidence is currently insufficient to determine the role of this variant in disease. Therefore, it has been classified as a Variant of Uncertain Significance.

Literature cited by the submitters: PubMed 17576681 (cited by Labcorp Genetics (formerly Invitae), Labcorp); PubMed 9536098 (cited by Labcorp Genetics (formerly Invitae), Labcorp).

NM_001018005.2(TPM1):c.563+3A>G

Gene: TPM1 (tropomyosin 1; plus strand). Cytogenetic location: 15q22.2.
Variant type: single nucleotide variant.
Coding change: c.563+3A>G on transcript NM_001018005.2 (MANE Select); 3 bases into the intron after coding-DNA position 563, A replaced by G.
Molecular consequence: intron variant.
Genome position (GRCh38, 1-based): chr15:63,060,942, A>G. VCF-style: chr15-63060942-A-G. GRCh37 (hg19) VCF-style: chr15-63353141-A-G.
Other names: c.689+3A>G (NM_001365778.1, NM_001407323.1, NM_001407322.1 and 1 more transcripts); c.563+3A>G (NM_001407336.1, NM_001018020.2, NM_001407338.1 and 21 more transcripts); c.455+3A>G (NM_001330351.2, NM_001330344.2, NM_001018008.2 and 9 more transcripts).
Identifiers: ClinVar variation 2794362 (VCV002794362.4), dbSNP rs2542807537, ClinGen allele CA2739265827.